The following is an entry in ClinVar:

ClinVar aggregate classification (germline): Benign (1 of 4 stars; one submission).

Conditions:
Cystic fibrosis (CF). Also called: MUCOVISCIDOSIS. Identifiers: Orphanet 586, MedGen C0010674, MONDO:0009061, OMIM 219700. Disease mechanism: loss of function.

Submission:

CFTR-France
Classification: Benign for cystic fibrosis. Last evaluated: 2018-01-29. Review status: criteria provided, single submitter. Criteria: Claustres M et al. (Hum Mutat 2017). Collection method: curation. Allele origin: germline. Affected: no.
Comment: the variant does not result in CFTR-RD neither

NM_000492.4(CFTR):c.*133dup

Gene: CFTR (CF transmembrane conductance regulator; plus strand). Cytogenetic location: 7q31.2.
Variant type: Duplication.
Coding change: c.*133dup on transcript NM_000492.4 (MANE Select); 133 bases downstream of the stop codon, one base duplicated (T; older notation c.*133dupT).
Molecular consequence: 3 prime UTR variant.
Genome position (GRCh38, 1-based): chr7:117,667,241, T duplicated; the last of 9 consecutive T bases (chr7:117,667,233-117,667,241); duplicating any one gives the same sequence. VCF-style (leftmost placement, unchanged base first): chr7-117667232-G-GT. GRCh37 (hg19) VCF-style: chr7-117307286-G-GT.
Identifiers: ClinVar variation 818103 (VCV000818103.1), dbSNP rs145697705, ClinGen allele CA577227785.
Genomic context (GRCh38, chr7:117,667,232, plus strand): 5'-CTCATGGAATTGGAGCTCGTGGAACAGTTACCTCTGCCTCAGAAAACAAGGATGAATTAA[G>GT]TTTTTTTTTAAAAAAGAAACATTTGGTAAGGGGAATTGAGGACACTGATATGGGTCTTGA-3'